The following is an entry in ClinVar:

ClinVar aggregate classification (germline): Uncertain significance. Review status: criteria provided, multiple submitters, no conflicts (2 of 4 stars). 2 submissions from 2 submitters: Uncertain significance (2). Last evaluated 2021-12-22.

Conditions:
Mitochondrial complex IV deficiency, nuclear type 8. Also called: Mitochondrial complex 4 deficiency, nuclear type 8. Identifiers: MedGen C5436689, MONDO:0033638, OMIM 619052.
Mitochondrial complex IV deficiency, nuclear type 1 (MC4DN1). Also called: COX DEFICIENCY; Mitochondrial complex IV deficiency; Complex 4 mitochondrial respiratory chain deficiency; Deficiency of mitochondrial respiratory chain complex4; Complex IV deficiency. Identifiers: MedGen C5435656, MONDO:0700250, OMIM 220110. Disease mechanism: loss of function.

Allele frequency attached by ClinVar (database versions not stated): gnomAD exomes below 0.00001 and 0.00002; TOPMed below 0.00001; gnomAD 0.00001.

Submissions (2):

Fulgent Genetics
Classification: Uncertain significance for Mitochondrial complex IV deficiency, nuclear type 8. Last evaluated: 2021-12-22. Review status: criteria provided, single submitter. Criteria: ACMG Guidelines, 2015. Collection method: clinical testing. Allele origin: unknown.

Baylor Genetics
Classification: Uncertain significance for Mitochondrial complex IV deficiency, nuclear type 1. Last evaluated: 2020-04-08. Review status: criteria provided, single submitter. Criteria: ACMG Guidelines, 2015. Collection method: clinical testing. Allele origin: maternal. Affected: yes.
Comment: This variant was determined to be of uncertain significance according to ACMG Guidelines, 2015 [PMID:25741868].

NM_016360.4(TACO1):c.476A>G (p.Lys159Arg)

Gene: TACO1 (translational activator of cytochrome c oxidase I; plus strand). Cytogenetic location: 17q23.3.
Variant type: single nucleotide variant.
Coding change: c.476A>G on transcript NM_016360.4 (MANE Select); coding-DNA position 476, A replaced by G.
Protein change: p.Lys159Arg; replaces lysine 159 with arginine.
Molecular consequence: missense variant.
Genome position (GRCh38, 1-based): chr17:63,606,401, A>G. VCF-style: chr17-63606401-A-G. GRCh37 (hg19) VCF-style: chr17-61683761-A-G.
Other names: short protein forms K159R.
Identifiers: ClinVar variation 1029447 (VCV001029447.2), dbSNP rs1317601804, ClinGen allele CA400551575.